The following is an entry in ClinVar:

NM_001371986.1(UNC80):c.286C>T (p.Arg96Ter)

Gene: UNC80 (unc-80 subunit of NALCN channel complex; plus strand). Cytogenetic location: 2q34.
Variant type: single nucleotide variant.
Coding change: c.286C>T on transcript NM_001371986.1 (MANE Select); coding-DNA position 286, C replaced by T.
Protein change: p.Arg96Ter; replaces arginine 96 with a stop codon.
Molecular consequence: nonsense.
Genome position (GRCh38, 1-based): chr2:209,776,033, C>T. VCF-style: chr2-209776033-C-T. GRCh37 (hg19) VCF-style: chr2-210640757-C-T.
Other names: c.286C>T, p.Arg96Ter (NM_032504.2, NM_182587.4); short protein forms R96*.
Identifiers: ClinVar variation 1373605 (VCV001373605.9), dbSNP rs538956139, ClinGen allele CA2082702.
Genomic context (GRCh38, chr2:209,776,033, plus strand): 5'-GAACTGGTGCAAGCTGCTTTGCCTCATGTCCTCCACTGCACTGCAACCCTGCTTTCAAAC[C>T]GAAACAAGCTAGGTTGGTGCCCCGCATTACTTCTTTATTGCATGTGATTGCCCTTTGTGT-3'

ClinVar aggregate classification (germline): Pathogenic. Review status: criteria provided, multiple submitters, no conflicts (2 of 4 stars). 2 submissions from 2 submitters: Pathogenic (2). Last evaluated 2026-01-28.

Conditions:
Hypotonia, infantile, with psychomotor retardation and characteristic facies 2 (IHPRF2). Also called: UNC80 Deficiency. Identifiers: Orphanet 371364, Orphanet 700333, MedGen C4225203, MONDO:0014777, OMIM 616801.

Allele frequency attached by ClinVar (database versions not stated): gnomAD 0.00001 and 0.00002; gnomAD exomes 0.00001 and 0.00002; ExAC 0.00002; 1000 Genomes Project 30x 0.00016; 1000 Genomes Project 0.00020.

Submissions (2):

Labcorp Genetics (formerly Invitae), Labcorp
Classification: Pathogenic. Last evaluated: 2026-01-28. Review status: criteria provided, single submitter. Criteria: Invitae Variant Classification Sherloc (09022015). Collection method: clinical testing. Allele origin: germline.
Comment: This sequence change creates a premature translational stop signal (p.Arg96*) in the UNC80 gene. It is expected to result in an absent or disrupted protein product. Loss-of-function variants in UNC80 are known to be pathogenic (PMID: 26545877, 26708751, 26708753). This variant is present in population databases (rs538956139, gnomAD 0.003%). This variant has not been reported in the literature in individuals affected with UNC80-related conditions. ClinVar contains an entry for this variant (Variation ID: 1373605). For these reasons, this variant has been classified as Pathogenic.

Victorian Clinical Genetics Services, Murdoch Childrens Research Institute
Classification: Pathogenic for Hypotonia, infantile, with psychomotor retardation and characteristic facies 2. Last evaluated: 2022-06-24. Review status: criteria provided, single submitter. Criteria: ACMG Guidelines, 2015. Collection method: clinical testing. Allele origin: germline. Inheritance: Autosomal recessive inheritance.
Comment: Based on the classification scheme VCGS_Germline_v1.3.4, this variant is classified as pathogenic. The following criteria are met: 0102 - Loss of function is a known mechanism of disease in this gene and is associated with infantile hypotonia with psychomotor retardation and characteristic facies 2 (MIM#616801). (I) 0106 - This gene is associated with autosomal recessive disease. (I) 0201 - Variant is predicted to cause nonsense-mediated decay (NMD) and loss of protein (premature termination codon is located at least 54 nucleotides upstream of the final exon-exon junction). (SP) 0251 - This variant is heterozygous. (I) 0304 - Variant is present in gnomAD (v2) <0.01 for a recessive condition (4 heterozygotes, 0 homozygotes). (SP) 0803 - This variant has limited previous evidence of pathogenicity. It has been reported once as pathogenic in ClinVar. (SP) 0905 - No published segregation evidence has been identified for this variant. (I) 1007 - No published functional evidence has been identified for this variant. (I) 0701 - Other NMD predicted variants comparable to the one identified in this case have very strong previous evidence for pathogenicity (ClinVar). (SP) Legend: (SP) - Supporting pathogenic, (I) - Information, (SB) - Supporting benign

Literature cited by the submitters: PubMed 26545877 (cited by Labcorp Genetics (formerly Invitae), Labcorp); PubMed 26708751 (cited by Labcorp Genetics (formerly Invitae), Labcorp); PubMed 26708753 (cited by Labcorp Genetics (formerly Invitae), Labcorp).